The following continues an entry in ClinVar:

NM_000277.3(PAH):c.1066-11G>A

Gene: PAH. ClinVar aggregate classification (germline): Pathogenic. Pathogenic (1).

Submissions 10 to 28 of 37:

Quest Diagnostics Nichols Institute San Juan Capistrano
Classification: Pathogenic. Last evaluated: 2025-04-17. Review status: criteria provided, single submitter. Criteria: Quest Diagnostics criteria. Collection method: clinical testing. Allele origin: unknown. Not counted in ClinVar's aggregate classification.
Comment: The PAH c.1066-11G>A variant disrupts a canonical splice-acceptor site and interferes with normal PAH mRNA splicing. This variant has been reported in the published literature in as homozygous or compound heterozygous along with another PAH variant in individuals with phenylketonuria (PKU) (PMID: 37924808 (2023), 37421234 (2023), 23500595 (2013), 30389586 (2019), 8990013 (1997), 1769645 (1991), Gundorova et al. Russ J Genet 2019 55(8):102). This variant has been reported to alter the splicing of exon 11 and cause the insertion of three amino acids that results in the protein having low to absent residual enzyme activity (PMID: 1769645 (1991), 37421234 (2023), BIOPKU). The frequency of this variant in the general population (Genome Aggregation Database) is uninformative in the assessment of its pathogenicity. Analysis of this variant using software algorithms for the prediction of the effect of nucleotide changes on splicing yielded predictions that this variant may affect proper PAH mRNA splicing. Based on the available information, this variant is classified as pathogenic.

Dubai Health Genomic Medicine Center, Dubai Health
Classification: Pathogenic for Hyperphenylalaninemia. Last evaluated: 2024-10-04. Review status: criteria provided, single submitter. Criteria: ACMG Guidelines, 2015. Collection method: research. Allele origin: germline. Affected: yes. Not counted in ClinVar's aggregate classification.
Comment: PP4_Moderate, PS3, PM3_Strong

Blueprint Genetics
Classification: Pathogenic for PAH-related disorders. Last evaluated: 2024-06-27. Review status: criteria provided, single submitter. Criteria: ACMG Guidelines, 2015. Collection method: clinical testing. Allele origin: germline. Affected: yes. Observed: 5 variant alleles. Not counted in ClinVar's aggregate classification.

Genomic Research Center, Shahid Beheshti University of Medical Sciences
Classification: Pathogenic for Phenylketonuria. Last evaluated: 2024-05-06. Review status: criteria provided, single submitter. Criteria: ACMG Guidelines, 2015. Collection method: clinical testing. Allele origin: unknown. Not counted in ClinVar's aggregate classification.

Genomic Medicine Center of Excellence, King Faisal Specialist Hospital and Research Centre
Classification: Pathogenic for Phenylketonuria. Last evaluated: 2024-03-17. Review status: criteria provided, single submitter. Criteria: ACMG Guidelines, 2015. Collection method: research. Allele origin: germline. Not counted in ClinVar's aggregate classification.

Revvity Omics, Revvity
Classification: Pathogenic for Phenylketonuria. Last evaluated: 2024-02-06. Review status: criteria provided, single submitter. Criteria: ACMG Guidelines, 2015. Collection method: clinical testing. Allele origin: germline. Not counted in ClinVar's aggregate classification.

Cellular and Molecular Research Center, Cellular and Molecular Medicine Research Institute,, Urmia University of Medical Sciences
Classification: Pathogenic for Phenylketonuria. Last evaluated: 2023-09-19. Review status: criteria provided, single submitter. Criteria: Zastrow et al. (Hum Mutat. 2018). Collection method: clinical testing. Allele origin: inherited. Inheritance: Autosomal recessive inheritance. Affected: yes. Not counted in ClinVar's aggregate classification.

Laboratory for Molecular Medicine, Mass General Brigham Personalized Medicine
Classification: Pathogenic for Phenylketonuria. Last evaluated: 2022-06-30. Review status: criteria provided, single submitter. Criteria: ACMG Guidelines, 2015. Collection method: clinical testing. Allele origin: germline. Not counted in ClinVar's aggregate classification.
Comment: The c.1066-11G>A variant in PAH has been reported in >20 individuals with Phenylketonuria in the homozygous or compound heterozygous state and segregated with disease in multiple affected individuals (Desviat 1997 PMID: 8990013, Georgiou 2012 PMID: 22330942, Couce 2013 PMID: 23500595, Trunzo 2014 PMID: 24296287, Danecka 2015 PMID: 25596310). It has also been identified in 0.05% (38/68028) of European chromosomes by gnomAD v. 3. This variant was classified as Pathogenic on Oct 01, 2018 by the ClinGen-approved PAH Variant Curation expert panel (Variation ID 607). Functional studies have shown that this variant activates a cryptic splice site and leads to an in-frame insertion of 3 amino acids to the transcript (Dworniczak 1991 PMID: 1769645). Additional in vitro functional studies have shown that this variant has no or little enzyme activity (Pey 2003 PMID: 12655546) and homozygotes had enzyme activity of 5% or less (Danecka 2015 PMID: 25596310). In summary, this variant meets criteria to be classified as pathogenic for autosomal recessive phenylketonuria. ACMG/AMP Criteria applied: PM3_VS, PS3, PP1_Strong.

Greenwood Genetic Center Diagnostic Laboratories, Greenwood Genetic Center
Classification: Pathogenic for Phenylketonuria. Last evaluated: 2022-04-21. Review status: criteria provided, single submitter. Criteria: ACMG Guidelines, 2015. Collection method: clinical testing. Allele origin: germline. Affected: yes. Not counted in ClinVar's aggregate classification.
Comment: PVS1, PS3, PP3

Laboratorio de Genetica e Diagnostico Molecular, Hospital Israelita Albert Einstein
Classification: Pathogenic for Phenylketonuria. Last evaluated: 2022-03-08. Review status: criteria provided, single submitter. Criteria: ACMG Guidelines, 2015. Collection method: clinical testing. Allele origin: germline. Affected: yes. Not counted in ClinVar's aggregate classification.
Comment: ACMG classification criteria: PS3 supporting, PM3 very strong, PP1 supporting, PP3 supporting, PP4

Fulgent Genetics
Classification: Pathogenic for Phenylketonuria. Last evaluated: 2022-02-17. Review status: criteria provided, single submitter. Criteria: ACMG Guidelines, 2015. Collection method: clinical testing. Allele origin: unknown. Not counted in ClinVar's aggregate classification.

3billion
Classification: Pathogenic for Phenylketonuria. Last evaluated: 2022-01-03. Review status: criteria provided, single submitter. Criteria: ACMG Guidelines, 2015. Collection method: clinical testing. Allele origin: germline. Affected: yes. Observed: 1 homozygote. Not counted in ClinVar's aggregate classification.
Comment: Functional studies provide strong evidence of the variant having a damaging effect on the gene or gene product (, PS3_S). The variant has been reported multiple times as an established pathogenic/likely pathogenic variant (ClinVar ID: VCV000000607). It is observed at an extremely low frequency in the gnomAD v2.1.1 dataset (total allele frequency: 0.000248, PM2_M). Therefore, this variant is classified as pathogenic according to the recommendation of ACMG/AMP guideline.

Department of Human Genetics, Hannover Medical School
Classification: Pathogenic for Phenylketonuria. Last evaluated: 2021-12-29. Review status: criteria provided, single submitter. Criteria: ACMG Guidelines, 2015. Collection method: clinical testing. Allele origin: germline. Inheritance: Autosomal recessive inheritance. Affected: yes. Not counted in ClinVar's aggregate classification.

Myriad Genetics, Inc.
Classification: Pathogenic for Phenylketonuria. Last evaluated: 2019-10-18. Review status: criteria provided, single submitter. Criteria: Myriad Women's Health Autosomal Recessive and X-Linked Classification Criteria (2019). Collection method: clinical testing. Allele origin: unknown. Not counted in ClinVar's aggregate classification.
Comment: NM_000277.1(PAH):c.1066-11G>A is classified as pathogenic in the context of phenylalanine hydroxylase deficiency and is associated with the classic form of this disease. Sources cited for classification include the following: PMID 1769645 and 23500595. Classification of NM_000277.1(PAH):c.1066-11G>A is based on the following criteria: This is a well-established pathogenic variant in the literature that has been observed more frequently in patients with clinical diagnoses than in healthy populations. Please note: this variant was assessed in the context of healthy population screening.â€šÃ„Ã¶âˆšÃ‘âˆšÂ£

Institute of Human Genetics, University of Leipzig Medical Center
Classification: Pathogenic for Phenylketonuria. Last evaluated: 2019-01-01. Review status: criteria provided, single submitter. Criteria: ACMG Guidelines, 2015. Collection method: clinical testing. Allele origin: unknown. Affected: yes. Not counted in ClinVar's aggregate classification.

Eurofins Ntd Llc (ga)
Classification: Pathogenic. Last evaluated: 2018-02-14. Review status: criteria provided, single submitter. Criteria: EGL ClinVar v180209 classification definitions. Collection method: clinical testing. Allele origin: germline. Observed: 44 variant alleles, 43 heterozygotes, 1 homozygote. Not counted in ClinVar's aggregate classification.

Women's Health and Genetics/Laboratory Corporation of America, LabCorp
Classification: Pathogenic for Phenylketonuria. Last evaluated: 2017-01-03. Review status: criteria provided, single submitter. Criteria: LabCorp Variant Classification Summary - May 2015. Collection method: clinical testing. Allele origin: germline. Not counted in ClinVar's aggregate classification.
Comment: Variant summary: The PAH c.1066-11G>A variant is an intronic variant predicted to affect normal splicing by 4/5 splice prediction tools. This variant was found in 33/121034 control chromosomes at a frequency of 0.0002727, which does not exceed the estimated maximal expected allele frequency of a pathogenic PAH variant (0.0079057). This variant is a known pathogenic variant and is one of the most common pathogenic variants causing PKU. It activates a cryptic splice site and results in an in-frame insertion of 9 nucleotides between exon 10 and exon 11 of the processed mRNA. Normal amounts of liver PAH protein is present in homozygous patients, but no catalytic activity can be detected (Dworniczak_1991). This loss of enzyme activity is probably caused by conformational changes resulting from the insertion of three additional amino acids (Gly-Leu-Gln) between the normal sequences encoded by exon 10 and exon 11 (Dworniczak_1991). The patients who carried this variant in homozygous state were not responsive to BH4 challenge (Dobrowolski_2011). Several clinical diagnostic laboratories/reputable databases have classified this variant as pathogenic. Taken together, this variant is classified as Pathogenic.

CENTOGENE GmbH and LLC - Guiding Precision Medicine
Classification: Pathogenic for Phenylketonuria. Review status: criteria provided, single submitter. Criteria: ACMG Guidelines, 2015. Collection method: clinical testing. Allele origin: germline. Affected: yes. Not counted in ClinVar's aggregate classification.

Clinical Genetics Service, Universitary Hospital 12 de Octubre
Classification: Pathogenic for Phenylketonuria. Review status: criteria provided, single submitter. Criteria: ACMG Guidelines, 2015. Collection method: clinical testing. Allele origin: germline. Affected: yes. Not counted in ClinVar's aggregate classification.